The following is an entry in ClinVar:

NM_004656.4(BAP1):c.2188T>A (p.Ter730Arg)

Gene: BAP1 (BRCA1 associated deubiquitinase 1; minus strand). Cytogenetic location: 3p21.1.
Variant type: single nucleotide variant.
Coding change: c.2188T>A on transcript NM_004656.4 (MANE Select); coding-DNA position 2188, T replaced by A.
Protein change: p.Ter730Arg.
Molecular consequence: stop lost.
Genome position (GRCh38, 1-based): chr3:52,402,290, A>T on the plus strand (T>A on the coding strand, the complement: BAP1 is on the minus strand). VCF-style: chr3-52402290-A-T. GRCh37 (hg19) VCF-style: chr3-52436306-A-T.
Other names: *730R.
Identifiers: ClinVar variation 919672 (VCV000919672.11), dbSNP rs1704980243, ClinGen allele CA353093849.

ClinVar aggregate classification (germline): Uncertain significance. Review status: criteria provided, multiple submitters, no conflicts (2 of 4 stars). 2 submissions from 2 submitters: Uncertain significance (2). Last evaluated 2021-12-16.

Conditions:
BAP1-related tumor predisposition syndrome (TPDS1). Also called: Tumor susceptibility linked to germline BAP1 mutations; COMMON Syndrome; TUMOR PREDISPOSITION SYNDROME 1; BAP1 tumor predisposition syndrome. Identifiers: Orphanet 289539, MedGen C3280492, MONDO:0013692, OMIM 614327.
Hereditary cancer-predisposing syndrome. Also called: Neoplastic Syndromes, Hereditary; Tumor predisposition; Hereditary Cancer Syndrome; Hereditary neoplastic syndrome. Identifiers: Orphanet 140162, MedGen C0027672, MeSH D009386, MONDO:0015356.

Submissions (2):

Labcorp Genetics (formerly Invitae), Labcorp
Classification: Uncertain significance for BAP1-related tumor predisposition syndrome. Last evaluated: 2021-12-16. Review status: criteria provided, single submitter. Criteria: Invitae Variant Classification Sherloc (09022015). Collection method: clinical testing. Allele origin: germline.
Comment: This sequence change disrupts the translational stop signal of the BAP1 mRNA. It is expected to extend the length of the BAP1 protein by 205 additional amino acid residues. In summary, the available evidence is currently insufficient to determine the role of this variant in disease. Therefore, it has been classified as a Variant of Uncertain Significance. ClinVar contains an entry for this variant (Variation ID: 919672). This protein extension has been observed in individual(s) with mesothelioma (PMID: 30975761). This variant is not present in population databases (gnomAD no frequency).

Color Diagnostics, LLC DBA Color Health
Classification: Uncertain significance for Hereditary cancer-predisposing syndrome. Last evaluated: 2020-05-05. Review status: criteria provided, single submitter. Criteria: ACMG Guidelines, 2015. Collection method: clinical testing. Allele origin: germline.
Comment: This variant changes 1 nucleotide of the BAP1 gene. It disrupts the translational stop signal and is predicted to extend the length of the BAP1 protein by adding 205 additional amino acids to the C-terminus. While critical functional domains are located at the C-terminus of the BAP1 protein (PMID: 23617878, 26096145), the functional impact of this variant has not been reported in published studies. This variant has been reported in an uveal melanoma tumor sample (PMID: 29317634), however, it's unclear if the variant is of germline or somatic origin. This variant has not been identified in the general population by the Genome Aggregation Database (gnomAD). The available evidence is insufficient to determine the role of this variant in disease conclusively. Therefore, this variant is classified as a Variant of Uncertain Significance.

Literature cited by the submitters: PubMed 30975761 (cited by Labcorp Genetics (formerly Invitae), Labcorp).